The following is an entry in ClinVar:

NM_004360.5(CDH1):c.715G>A (p.Gly239Arg)

Gene: CDH1 (cadherin 1; plus strand). Cytogenetic location: 16q22.1.
Variant type: single nucleotide variant.
Coding change: c.715G>A on transcript NM_004360.5 (MANE Select); coding-DNA position 715, G replaced by A.
Protein change: p.Gly239Arg; replaces glycine 239 with arginine.
Molecular consequence: missense variant. On other transcripts: 5 prime UTR variant (2).
Genome position (GRCh38, 1-based): chr16:68,810,224, G>A. VCF-style: chr16-68810224-G-A. GRCh37 (hg19) VCF-style: chr16-68844127-G-A.
Other names: p.G239R:GGG>AGG; NM_004360.5(CDH1):c.715G>A; c.715G>A (LRG_301t1); c.715G>A, p.Gly239Arg (NM_001317184.2); c.-901G>A (NM_001317185.2); c.-1105G>A (NM_001317186.2); short protein forms G239R.
Identifiers: ClinVar variation 132709 (VCV000132709.37), dbSNP rs587780537, ClinGen allele CA298980.

ClinVar aggregate classification (germline): Pathogenic. Review status: reviewed by expert panel (3 of 4 stars). 14 submissions from 14 submitters: Pathogenic (1). 13 of the submissions do not count toward it. Last evaluated 2023-08-29.

Conditions:
Ovarian neoplasm. Also called: Ovarian Neoplasms; Neoplasm of ovary; Ovarian tumor. Identifiers: MedGen C0919267, MeSH D010051, MONDO:0021068, HP:0100615.
Prostate cancer. Also called: Malignant tumor of prostate. Identifiers: Orphanet 1331, MedGen C0376358, MONDO:0008315, HP:0012125.
Familial cancer of breast. Also called: BREAST CANCER, FAMILIAL; Hereditary breast cancer; hereditary breast carcinoma. Identifiers: Orphanet 227535, MedGen C0346153, MONDO:0016419, OMIM 114480. Disease mechanism: loss of function.
Hereditary diffuse gastric adenocarcinoma (HDGC). Also called: DIFFUSE GASTRIC AND LOBULAR BREAST CANCER SYNDROME. Identifiers: Orphanet 26106, MedGen C1708349, MONDO:0007648, OMIM 137215.
Blepharocheilodontic syndrome 1 (BCDS1). Identifiers: Orphanet 1997, MedGen C4551988, MONDO:0054740, OMIM 119580.
Endometrial carcinoma. Also called: Endometrial carcinoma, somatic. Identifiers: MedGen C0476089, MONDO:0002447, OMIM 608089, HP:0012114.
CDH1-related diffuse gastric and lobular breast cancer syndrome. Also called: CDH1-related diffuse gastric and lobular breast cancer. Identifiers: MedGen CN311521, MONDO:0100488.
CDH1-related disorder. Also called: CDH1-related condition.
Hereditary cancer-predisposing syndrome. Also called: Hereditary Cancer Syndrome; Tumor predisposition; Hereditary neoplastic syndrome; Neoplastic Syndromes, Hereditary. Identifiers: Orphanet 140162, MedGen C0027672, MeSH D009386, MONDO:0015356.

Allele frequency attached by ClinVar (database versions not stated): gnomAD exomes below 0.00001.
gnomAD v4.1: 2 of 1,614,142 alleles (0.00012%); highest among the groups gnomAD compares: Non-Finnish European, 0.00017%; no homozygotes.

Submissions 1 to 7 of 14:

Clingen Gastric Cancer Variant Curation Expert Panel
Classification: Pathogenic for CDH1-related diffuse gastric and lobular breast cancer syndrome. Last evaluated: 2023-08-29. Review status: reviewed by expert panel. Criteria: ClinGen CDH1 ACMG Specifications V3.1. Collection method: curation. Allele origin: germline. Inheritance: Autosomal dominant inheritance.
Comment: The c.715G>A (p.Gly239Arg) variant is absent in the gnomAD cohort (PM2_supporting). This variant has been reported in at least 16 families (18) meeting HDGC clinical criteria (PS4_very strong; PMID: 17545690, 23264079, 23264079, 26182300; SCV000153869.9, SCV000273881.6, internal laboratory contributors). This variant is predicted to affect splicing by at least 3 in silico splicing predictors in agreement (PP3). There are RNA assays demonstrating an abnormal out-of-frame transcript for this variant (PS3; PMID: 17545690, 33619332). In summary, this variant meets criteria to be classified as pathogenic based on the ACMG/AMP criteria applied as specified by the CDH1 Variant Curation Expert Panel (v3.1): PS4_very strong, PS3, PM2_supporting, PP3.

Ambry Genetics
Classification: Pathogenic for Hereditary cancer-predisposing syndrome. Last evaluated: 2025-10-28. Review status: criteria provided, single submitter. Criteria: Ambry Variant Classification Scheme 2023. Collection method: clinical testing. Allele origin: germline. Not counted in ClinVar's aggregate classification.
Comment: The p.G239R pathogenic mutation (also known as c.715G>A), located in coding exon 6 of the CDH1 gene, results from a G to A substitution at nucleotide position 715. The glycine at codon 239 is replaced by arginine, an amino acid with dissimilar properties. This alteration has been reported in multiple individuals with either a personal history of early onset diffuse gastric cancer and/or a family history consistent with hereditary diffuse gastric cancer syndrome (Kim S et al. Fam. Cancer. 2013 Sep;12:503-7; More H et al. Hum. Mutat. 2007 Feb;28:203; Suriano GJ et al. J. Mol. Med. 2006 Dec;84:1023-31; Ambry internal data); but has also been reported in unaffected individuals (Susswein LR et al. Genet. Med. 2016 Aug;18:823-32; More H et al. Hum. Mutat. 2007 Feb;28:203). Protein studies have shown that this alteration confers deficient E-cadherin function with respect to intercellular adhesion and suppression of invasion in vitro (More H et al. Hum. Mutat. 2007 Feb;28:203), motility (Mateus AR et al. Exp. Cell Res. 2009 May;315:1393-402), and adhesion activation from intracellular triggers (Petrova YI et al. Mol. Biol. Cell, 2016 Nov;27:3233-3244). In silico splice site analysis predicts that this alteration will result in the creation or strengthening of a novel splice acceptor site. RNA studies have detected an abnormal out of frame transcript with the first 29 base pairs of exon 6 deleted in individuals with this alteration (Kaurah P et al. JAMA. 2007 Jun;297:2360-72, Ambry internal data). Based on the available evidence, this alteration is classified as a pathogenic mutation.

Labcorp Genetics (formerly Invitae), Labcorp
Classification: Pathogenic for Hereditary diffuse gastric adenocarcinoma. Last evaluated: 2025-06-16. Review status: criteria provided, single submitter. Criteria: Invitae Variant Classification Sherloc (09022015). Collection method: clinical testing. Allele origin: germline. Not counted in ClinVar's aggregate classification.
Comment: This sequence change replaces glycine, which is neutral and non-polar, with arginine, which is basic and polar, at codon 239 of the CDH1 protein (p.Gly239Arg). RNA analysis indicates that this missense change induces altered splicing and may result in an absent or altered protein product. This variant is not present in population databases (gnomAD no frequency). This missense change has been observed in individuals with breast and/or diffuse gastric cancer (PMID: 17221870, 17545690, 23264079, 26681312, 26845104, 28873162, 32269045; internal data). ClinVar contains an entry for this variant (Variation ID: 132709). An algorithm developed to predict the effect of missense changes on protein structure and function (PolyPhen-2) suggests that this variant is likely to be disruptive. Experimental studies are conflicting or provide insufficient evidence to determine the effect of this variant on CDH1 function (PMID: 17221870, 17545690, 19268661, 27582386, 30311375). Studies have shown that this missense change results in activation of a cryptic splice site, and produces a non-functional protein and/or introduces a premature termination codon (PMID: 17545690, 33619332; internal data). For these reasons, this variant has been classified as Pathogenic.

Color Diagnostics, LLC DBA Color Health
Classification: Pathogenic for Hereditary cancer-predisposing syndrome. Last evaluated: 2024-07-26. Review status: criteria provided, single submitter. Criteria: ACMG Guidelines, 2015. Collection method: clinical testing. Allele origin: germline. Not counted in ClinVar's aggregate classification.
Comment: This missense variant replaces glycine with arginine at codon 239 in the extracellular domain of the CDH1 protein. RNA functional studies have shown that this variant disrupts RNA splicing. RT-PCR analysis in cells from carrier individuals and a minigene assay demonstrated that the variant causes the deletion of the first 29 bases of exon 6 (PMID: 17545690, 33619332). This aberrant splicing is expected to result in an absent or non-functional protein product. This variant has been reported in individuals affected with diffuse gastric cancer or breast cancer (PMID: 17221870, 17545690, 23264079, 26681312, 26845104, 33619332; ClinVar SCV000273881.8, SCV004020057.1, SCV000153869.13), and it has been observed to segregate with disease in one family (PMID: 33619332). This variant has not been identified in the general population by the Genome Aggregation Database (gnomAD). Based on the available evidence, this variant is classified as Pathogenic.

Baylor Genetics
Classification: Pathogenic for Familial cancer of breast. Last evaluated: 2024-03-25. Review status: criteria provided, single submitter. Criteria: ACMG Guidelines, 2015. Collection method: clinical testing. Allele origin: unknown. Not counted in ClinVar's aggregate classification.

Quest Diagnostics Nichols Institute San Juan Capistrano
Classification: Pathogenic. Last evaluated: 2023-12-05. Review status: criteria provided, single submitter. Criteria: Quest Diagnostics criteria. Collection method: clinical testing. Allele origin: unknown. Not counted in ClinVar's aggregate classification.
Comment: The CDH1 c.715G>A (p.Gly239Arg) variant has been reported in the published literature in individuals with gastric cancer (PMID: 16924464 (2006), 17221870 (2007), 17545690 (2007), 23264079 (2013), 28873162 (2017), 32269045 (2020), 33619332 (2021)), breast cancer (PMID: 26681312 (2015), 33471991 (2021), see also LOVD, 34949788 (2022)), pancreatic cancer (PMID: 29922827 (2018)), and prostate cancer (PMID: 34949788 (2022)). This variant has also been reported in an unaffected individual (PMID: 17221870 (2007)). Splicing studies have reported this variant abolishes normal splicing through activation of a cryptic 3' acceptor splice site, leading to an out-of-frame deletion that results in premature protein truncation (PMID: 33619332 (2021), 17545690 (2007)). Functional studies of this variant's effect on CDH1 function are conflicting (PMID: 17221870 (2007), 19268661 (2009), 27582386 (2016)). This variant has not been reported in large, multi-ethnic general populations (Genome Aggregation Database). Analysis of this variant using bioinformatics tools for the prediction of the effect of amino acid changes on protein structure and function yielded predictions that this variant is damaging. Additional analysis using software algorithms for the prediction of the effect of nucleotide changes on CDH1 mRNA splicing yielded predictions that this variant may result in the gain of a cryptic splice site without affecting the natural splice sites. Based on the available information, this variant is classified as pathogenic.

Myriad Genetics, Inc.
Classification: Likely pathogenic for Hereditary diffuse gastric adenocarcinoma. Last evaluated: 2023-03-07. Review status: criteria provided, single submitter. Criteria: Myriad Autosomal Dominant, Autosomal Recessive and X-Linked Classification Criteria (2023). Collection method: clinical testing. Allele origin: unknown. Not counted in ClinVar's aggregate classification.
Comment: This variant is considered likely pathogenic. This variant has been reported in multiple individuals with clinical features of gene-specific disease [17221870, 17545690, 23264079, 26182300, Myriad internal data]. mRNA analysis has demonstrated abnormal mRNA splicing occurs [17545690, Myriad internal data].